The following is an entry in ClinVar:

NM_013372.7(GREM1):c.424T>A (p.Ser142Thr)

Gene: GREM1 (gremlin 1, DAN family BMP antagonist; plus strand). Cytogenetic location: 15q13.3.
Variant type: single nucleotide variant.
Coding change: c.424T>A on transcript NM_013372.7 (MANE Select); coding-DNA position 424, T replaced by A.
Protein change: p.Ser142Thr; replaces serine 142 with threonine.
Molecular consequence: missense variant.
Genome position (GRCh38, 1-based): chr15:32,731,114, T>A. VCF-style: chr15-32731114-T-A. GRCh37 (hg19) VCF-style: chr15-33023315-T-A.
Other names: c.214T>A, p.Ser72Thr (NM_001191322.2); c.301T>A, p.Ser101Thr (NM_001191323.2); c.424T>A, p.Ser142Thr (NM_001368719.1); short protein forms S101T, S142T, S72T.
Identifiers: ClinVar variation 4266795 (VCV004266795.1).
Genomic context (GRCh38, chr15:32,731,114, plus strand): 5'-TGCAACTCTTTCTACATCCCCAGGCACATCCGGAAGGAGGAAGGTTCCTTTCAGTCCTGC[T>A]CCTTCTGCAAGCCCAAGAAATTCACTACCATGATGGTCACACTCAACTGCCCTGAACTAC-3'
Protein context (NP_037504.1, residues 132-152): RKEEGSFQSC[Ser142Thr]FCKPKKFTTM

ClinVar aggregate classification (germline): Uncertain significance (1 of 4 stars; one submission).

Conditions:
Hereditary cancer-predisposing syndrome. Also called: Hereditary Cancer Syndrome; Hereditary neoplastic syndrome; Neoplastic Syndromes, Hereditary; Tumor predisposition. Identifiers: Orphanet 140162, MedGen C0027672, MeSH D009386, MONDO:0015356.

Submission:

Ambry Genetics
Classification: Uncertain significance for Hereditary cancer-predisposing syndrome. Last evaluated: 2025-07-31. Review status: criteria provided, single submitter. Criteria: Ambry Variant Classification Scheme 2023. Collection method: clinical testing. Allele origin: germline.
Comment: The p.S142T variant (also known as c.424T>A), located in coding exon 1 of the GREM1 gene, results from a T to A substitution at nucleotide position 424. The serine at codon 142 is replaced by threonine, an amino acid with similar properties. This amino acid position is conserved. In addition, this alteration is predicted to be tolerated by in silico analysis. Based on the available evidence, the clinical significance of this variant remains unclear.